The following is an entry in ClinVar:

ClinVar aggregate classification (germline): Uncertain significance (1 of 4 stars; one submission).

Conditions:
Neuronal ceroid lipofuscinosis. Also called: Neuronal Ceroid Lipofuscinoses. Identifiers: Orphanet 216, Orphanet 79263, MedGen C0027877, MONDO:0016295. Disease mechanism: loss of function.

Submission:

Labcorp Genetics (formerly Invitae), Labcorp
Classification: Uncertain significance for Neuronal ceroid lipofuscinosis. Last evaluated: 2021-11-30. Review status: criteria provided, single submitter. Criteria: Invitae Variant Classification Sherloc (09022015). Collection method: clinical testing. Allele origin: germline.
Comment: In summary, the available evidence is currently insufficient to determine the role of this variant in disease. Therefore, it has been classified as a Variant of Uncertain Significance. Algorithms developed to predict the effect of missense changes on protein structure and function are either unavailable or do not agree on the potential impact of this missense change (SIFT: "Tolerated"; PolyPhen-2: "Possibly Damaging"; Align-GVGD: "Class C0"). This variant has not been reported in the literature in individuals affected with CLN5-related conditions. This variant is not present in population databases (gnomAD no frequency). This sequence change replaces alanine, which is neutral and non-polar, with valine, which is neutral and non-polar, at codon 85 of the CLN5 protein (p.Ala85Val).

NM_006493.4(CLN5):c.107C>T (p.Ala36Val)

Genes: CLN5 (CLN5 lysosomal BMP synthase; plus strand), LOC130009913 (ATAC-STARR-seq lymphoblastoid silent region 5414; plus strand). Cytogenetic location: 13q22.3.
Variant type: single nucleotide variant.
Coding change: c.107C>T on transcript NM_006493.4 (MANE Select); coding-DNA position 107, C replaced by T.
Protein change: p.Ala36Val; replaces alanine 36 with valine.
Molecular consequence: missense variant.
Genome position (GRCh38, 1-based): chr13:76,992,205, C>T. VCF-style: chr13-76992205-C-T. GRCh37 (hg19) VCF-style: chr13-77566340-C-T.
Other names: c.107C>T, p.Ala36Val (NM_001366624.2); short protein forms A36V.
Identifiers: ClinVar variation 1506480 (VCV001506480.6), dbSNP rs2154034272, ClinGen allele CA388306604.